The following is an entry in ClinVar:

NM_206926.2(SELENON):c.10G>T (p.Ala4Ser)

Gene: SELENON (selenoprotein N; plus strand). Cytogenetic location: 1p36.11.
Variant type: single nucleotide variant.
Coding change: c.10G>T on transcript NM_206926.2 (MANE Select); coding-DNA position 10, G replaced by T.
Protein change: p.Ala4Ser; replaces alanine 4 with serine.
Molecular consequence: missense variant.
Genome position (GRCh38, 1-based): chr1:25,800,240, G>T. VCF-style: chr1-25800240-G-T. GRCh37 (hg19) VCF-style: chr1-26126731-G-T.
Other names: c.10G>T, p.Ala4Ser (NM_020451.3); short protein forms A4S.
Identifiers: ClinVar variation 461627 (VCV000461627.6), dbSNP rs1371866855, ClinGen allele CA339105659.
Genomic context (GRCh38, chr1:25,800,240, plus strand): 5'-GCCCCGCTCTTTCGCTTCCCGGGCCGCCGGCAGCCGCCGCCAGCCGCAGCCATGGGCCGG[G>T]CCCGGCCGGGCCAACGCGGGCCGCCCAGCCCCGGCCCCGCCGCGCAGCCTCCCGCGCCAC-3'
Protein context (NP_996809.1, residues 1-14): MGR[Ala4Ser]RPGQRGPPSP

ClinVar aggregate classification (germline): Uncertain significance (1 of 4 stars; one submission).

Conditions:
Eichsfeld type congenital muscular dystrophy (CMYO3). Also called: MYOPATHY, SEPN1-RELATED; SELENON-related myopathy; Congenital myopathy 3 with rigid spine; Rigid spine muscular dystrophy 1. Identifiers: MedGen C0410180, MONDO:0100100, OMIM 602771.

gnomAD v4.1: 2 of 846,296 alleles (0.00024%); highest among the groups gnomAD compares: African/African-American, 0.0019%; no homozygotes.

Submission:

Labcorp Genetics (formerly Invitae), Labcorp
Classification: Uncertain significance for Eichsfeld type congenital muscular dystrophy. Last evaluated: 2025-03-31. Review status: criteria provided, single submitter. Criteria: Invitae Variant Classification Sherloc (09022015). Collection method: clinical testing. Allele origin: germline.
Comment: This sequence change replaces alanine, which is neutral and non-polar, with serine, which is neutral and polar, at codon 4 of the SELENON protein (p.Ala4Ser). The frequency data for this variant in the population databases is considered unreliable, as metrics indicate insufficient coverage at this position in the gnomAD database. This variant has not been reported in the literature in individuals affected with SELENON-related conditions. ClinVar contains an entry for this variant (Variation ID: 461627). Experimental studies and prediction algorithms are not available or were not evaluated, and the functional significance of this variant is currently unknown. In summary, the available evidence is currently insufficient to determine the role of this variant in disease. Therefore, it has been classified as a Variant of Uncertain Significance.